The following is an entry in ClinVar:

ClinVar aggregate classification (germline): Uncertain significance (1 of 4 stars; one submission).

Conditions:
Intellectual developmental disorder, X-linked 1. Also called: Atkin Flaitz Patil Smith syndrome; Intellectual disability, X-linked 1; MENTAL RETARDATION, X-LINKED 18; MENTAL RETARDATION, X-LINKED 78. Identifiers: Orphanet 777, MedGen C2931498, MONDO:0010656, OMIM 309530.

Submission:

Labcorp Genetics (formerly Invitae), Labcorp
Classification: Uncertain significance for Intellectual developmental disorder, X-linked 1. Last evaluated: 2022-05-03. Review status: criteria provided, single submitter. Criteria: Invitae Variant Classification Sherloc (09022015). Collection method: clinical testing. Allele origin: germline.
Comment: This sequence change replaces arginine, which is basic and polar, with glycine, which is neutral and non-polar, at codon 352 of the IQSEC2 protein (p.Arg352Gly). Algorithms developed to predict the effect of missense changes on protein structure and function are either unavailable or do not agree on the potential impact of this missense change (SIFT: "Tolerated"; PolyPhen-2: "Probably Damaging"; Align-GVGD: "Class C0"). This variant has not been reported in the literature in individuals affected with IQSEC2-related conditions. This variant is not present in population databases (gnomAD no frequency). In summary, the available evidence is currently insufficient to determine the role of this variant in disease. Therefore, it has been classified as a Variant of Uncertain Significance.

NM_001111125.3(IQSEC2):c.1054A>G (p.Arg352Gly)

Gene: IQSEC2 (IQ motif and Sec7 domain ArfGEF 2; minus strand). Cytogenetic location: Xp11.22.
Variant type: single nucleotide variant.
Coding change: c.1054A>G on transcript NM_001111125.3 (MANE Select); coding-DNA position 1054, A replaced by G.
Protein change: p.Arg352Gly; replaces arginine 352 with glycine.
Molecular consequence: missense variant.
Genome position (GRCh38, 1-based): chrX:53,254,877, T>C on the plus strand (A>G on the coding strand, the complement: IQSEC2 is on the minus strand). VCF-style: chrX-53254877-T-C. GRCh37 (hg19) VCF-style: chrX-53284059-T-C.
Other names: c.1054A>G, p.Arg352Gly (NM_001410736.1); c.439A>G, p.Arg147Gly (NM_015075.2); short protein forms R147G, R352G.
Identifiers: ClinVar variation 2133281 (VCV002133281.4), dbSNP rs2519840948, ClinGen allele CA413170489.